The following is an entry in ClinVar:

ClinVar aggregate classification (germline): Benign/Likely benign. Review status: criteria provided, multiple submitters, no conflicts (2 of 4 stars). 4 submissions from 4 submitters: Benign (1); Likely benign (3). Last evaluated 2026-08-01.

Conditions:
Rubinstein-Taybi syndrome due to EP300 haploinsufficiency. Also called: EP300-Related Rubinstein-Taybi Syndrome; RUBINSTEIN-TAYBI SYNDROME 2. Identifiers: Orphanet 353284, Orphanet 783, MedGen C3150941, MONDO:0013364, OMIM 613684.

Allele frequency attached by ClinVar (database versions not stated): gnomAD 0.00004 and 0.00011; TOPMed 0.00012; ExAC 0.00030; 1000 Genomes Project 30x 0.00031; 1000 Genomes Project 0.00040.
gnomAD v4.1: 212 of 1,613,792 alleles (0.013%); highest among the groups gnomAD compares: South Asian, 0.18%; 3 homozygotes.

Submissions (4):

CeGaT Center for Human Genetics Tuebingen
Classification: Likely benign. Last evaluated: 2026-08-01. Review status: criteria provided, single submitter. Criteria: CeGaT Center For Human Genetics Tuebingen Variant Classification Criteria Version 2. Collection method: clinical testing. Allele origin: germline. Affected: yes. Observed: 1 variant allele.
Comment: EP300: BP4, BS1

Labcorp Genetics (formerly Invitae), Labcorp
Classification: Benign for Rubinstein-Taybi syndrome due to EP300 haploinsufficiency. Last evaluated: 2025-07-23. Review status: criteria provided, single submitter. Criteria: Invitae Variant Classification Sherloc (09022015). Collection method: clinical testing. Allele origin: germline.

Blueprint Genetics
Classification: Likely benign. Last evaluated: 2024-11-08. Review status: criteria provided, single submitter. Criteria: ACMG Guidelines, 2015. Collection method: clinical testing. Allele origin: germline.

PreventionGenetics, part of Exact Sciences
Classification: Likely benign. Review status: criteria provided, single submitter. Criteria: ACMG Guidelines, 2015. Collection method: clinical testing. Allele origin: germline.

NM_001429.4(EP300):c.2359G>A (p.Gly787Ser)

Gene: EP300 (EP300 lysine acetyltransferase; plus strand). Cytogenetic location: 22q13.2.
Variant type: single nucleotide variant.
Coding change: c.2359G>A on transcript NM_001429.4 (MANE Select); coding-DNA position 2359, G replaced by A.
Protein change: p.Gly787Ser; replaces glycine 787 with serine.
Molecular consequence: missense variant.
Genome position (GRCh38, 1-based): chr22:41,149,155, G>A. VCF-style: chr22-41149155-G-A. GRCh37 (hg19) VCF-style: chr22-41545159-G-A.
Other names: c.2281G>A, p.Gly761Ser (NM_001362843.2); short protein forms G787S, G761S.
Identifiers: ClinVar variation 258095 (VCV000258095.13), dbSNP rs564786569, ClinGen allele CA10252843.